The following is an entry in ClinVar:

NM_016333.4(SRRM2):c.8136-1G>T

Gene: SRRM2 (serine/arginine repetitive matrix 2; plus strand). Cytogenetic location: 16p13.3.
Variant type: single nucleotide variant.
Coding change: c.8136-1G>T on transcript NM_016333.4 (MANE Select); the canonical splice acceptor site of the intron before coding-DNA position 8136, G replaced by T.
Molecular consequence: splice acceptor variant.
Genome position (GRCh38, 1-based): chr16:2,770,603, G>T. VCF-style: chr16-2770603-G-T. GRCh37 (hg19) VCF-style: chr16-2820604-G-T.
Identifiers: ClinVar variation 3353869 (VCV003353869.1).

ClinVar aggregate classification (germline): Uncertain significance (0 of 4 stars; one submission).

Conditions:
SRRM2-related disorder. Also called: SRRM2-related condition.

gnomAD v4.1: 11 of 1,553,146 alleles (0.00071%); highest among the groups gnomAD compares: African/African-American, 0.0027%; no homozygotes.

Submission:

PreventionGenetics, part of Exact Sciences
Classification: Uncertain significance for SRRM2-related condition. Last evaluated: 2024-07-13. Review status: no assertion criteria provided. Collection method: clinical testing. Allele origin: germline.
Comment: The SRRM2 c.8136-1G>T variant is predicted to disrupt the AG splice acceptor site and interfere with normal splicing. To our knowledge, this variant has not been reported in the literature. This variant is reported in 0.0016% of alleles in individuals of European (Non-Finnish) descent in gnomAD. Very few splice-altering variants in the SRRM2 gene have been reported at this time; however, another variant at the same acceptor splice site (c.8136-2A>T) has been reported in a large cohort of patients with schizophrenia (described as g.2820603A>T, Table S8, Liu et al. 2023. PubMed ID: 36914870). At this time, the clinical significance of this variant is uncertain due to the absence of conclusive functional and genetic evidence.